The following is an entry in ClinVar:

ClinVar aggregate classification (germline): Conflicting classifications of pathogenicity. Review status: criteria provided, conflicting classifications (1 of 4 stars). 3 submissions from 3 submitters: Uncertain significance (2); Benign (1). Last evaluated 2025-09-29.

Conditions:
Multiple congenital exostosis (EXT). Also called: Multiple osteochondromas; Hereditary multiple osteochondromas; Hereditary multiple exostoses; Hereditary multiple exostosis; MULTIPLE CARTILAGINOUS EXOSTOSES; Multiple exostoses. Identifiers: Orphanet 321, MedGen C0015306, MONDO:0005508, HP:0002762.
Ovarian cancer. Also called: OVARIAN CANCER, SOMATIC. Identifiers: Orphanet 213500, MedGen C1140680, MONDO:0008170, OMIM 167000.
Exostoses, multiple, type 1 (EXT1). Also called: Hereditary Multiple Osteochondromatosis, Type I; EXOSTOSES, MULTIPLE, TYPE I. Identifiers: MedGen CN263289, MONDO:0007585, OMIM 133700.

Allele frequency attached by ClinVar (database versions not stated): gnomAD exomes below 0.00001.
gnomAD v4.1: 1 of 1,614,188 alleles (0.000062%); highest among the groups gnomAD compares: East Asian, 0.0022%; no homozygotes.

Submissions (3):

Labcorp Genetics (formerly Invitae), Labcorp
Classification: Uncertain significance for Multiple congenital exostosis. Last evaluated: 2025-09-29. Review status: criteria provided, single submitter. Criteria: Invitae Variant Classification Sherloc (09022015). Collection method: clinical testing. Allele origin: germline.
Comment: This sequence change replaces tyrosine, which is neutral and polar, with histidine, which is basic and polar, at codon 284 of the EXT1 protein (p.Tyr284His). This variant is present in population databases (no rsID available, gnomAD 0.01%). This variant has not been reported in the literature in individuals affected with EXT1-related conditions. ClinVar contains an entry for this variant (Variation ID: 2185565). Invitae Evidence Modeling of protein sequence and biophysical properties (such as structural, functional, and spatial information, amino acid conservation, physicochemical variation, residue mobility, and thermodynamic stability) has been performed for this missense variant. However, the output from this modeling did not meet the statistical confidence thresholds required to predict the impact of this variant on EXT1 protein function. In summary, the available evidence is currently insufficient to determine the role of this variant in disease. Therefore, it has been classified as a Variant of Uncertain Significance.

St. Jude Molecular Pathology, St. Jude Children's Research Hospital
Classification: Uncertain significance for Exostoses, multiple, type 1. Last evaluated: 2024-08-03. Review status: criteria provided, single submitter. Criteria: St. Jude Assertion Criteria 2020. Collection method: clinical testing. Allele origin: germline.
Comment: The EXT1 c.c.850T>C (p.Tyr284His) missense variant has a maximum subpopulation frequency of 0.011% in gnomAD v2.1.1. The in silico tool REVEL is inconclusive about a pathogenic or benign effect of this variant on protein function, and to our knowledge functional studies have not been performed. To our knowledge, this variant has not been reported in the literature in individuals with hereditary multiple exostoses. In summary, the evidence currently available is insufficient to determine the clinical significance of this variant. It has therefore been classified as of uncertain significance.

Laboratory of Molecular Epidemiology of Birth Defects, West China Second University Hospital, Sichuan University
Classification: Benign for Ovarian cancer. Last evaluated: 2022-01-01. Review status: criteria provided, single submitter. Criteria: ACMG Guidelines, 2015. Collection method: clinical testing. Allele origin: germline. Affected: yes.

NM_000127.3(EXT1):c.850T>C (p.Tyr284His)

Gene: EXT1 (exostosin glycosyltransferase 1; minus strand). Cytogenetic location: 8q24.11.
Variant type: single nucleotide variant.
Coding change: c.850T>C on transcript NM_000127.3 (MANE Select); coding-DNA position 850, T replaced by C.
Protein change: p.Tyr284His; replaces tyrosine 284 with histidine.
Molecular consequence: missense variant.
Genome position (GRCh38, 1-based): chr8:118,110,197, A>G on the plus strand (T>C on the coding strand, the complement: EXT1 is on the minus strand). VCF-style: chr8-118110197-A-G. GRCh37 (hg19) VCF-style: chr8-119122436-A-G.
Other names: short protein forms Y284H.
Identifiers: ClinVar variation 2185565 (VCV002185565.7), dbSNP rs1302336455, ClinGen allele CA371914918.